The following is an entry in ClinVar:

NM_015971.4(MRPS7):c.438T>C (p.His146=)

Gene: MRPS7 (mitochondrial ribosomal protein S7; plus strand). Cytogenetic location: 17q25.1.
Variant type: single nucleotide variant.
Coding change: c.438T>C on transcript NM_015971.4 (MANE Select); coding-DNA position 438, T replaced by C.
Protein change: p.His146=; no amino-acid change (histidine 146 retained).
Molecular consequence: synonymous variant.
Genome position (GRCh38, 1-based): chr17:75,263,438, T>C. VCF-style: chr17-75263438-T-C. GRCh37 (hg19) VCF-style: chr17-73259519-T-C.
Identifiers: ClinVar variation 3048339 (VCV003048339.2), dbSNP rs892330067, ClinGen allele CA294033192.

ClinVar aggregate classification (germline): Likely benign (0 of 4 stars; one submission).

Conditions:
MRPS7-related disorder. Also called: MRPS7-related condition.

Allele frequency attached by ClinVar (database versions not stated): TOPMed below 0.00001.

Submission:

PreventionGenetics, part of Exact Sciences
Classification: Likely benign for MRPS7-related condition. Last evaluated: 2019-12-09. Review status: no assertion criteria provided. Collection method: clinical testing. Allele origin: germline.
Comment: This variant is classified as likely benign based on ACMG/AMP sequence variant interpretation guidelines (Richards et al. 2015 PMID: 25741868, with internal and published modifications).